The following is an entry in ClinVar:

ClinVar aggregate classification (germline): Uncertain significance. Review status: criteria provided, multiple submitters, no conflicts (2 of 4 stars). 2 submissions from 2 submitters: Uncertain significance (2). Last evaluated 2024-04-29.

Conditions:
Epilepsy, familial adult myoclonic, 5 (EPEO5). Also called: CORTICAL MYOCLONIC TREMOR WITH EPILEPSY, FAMILIAL, 5. Identifiers: Orphanet 86814, MedGen C3809374, MONDO:0014167, OMIM 615400.

Allele frequency attached by ClinVar (database versions not stated): gnomAD 0.00001; gnomAD exomes 0.00001; ExAC 0.00002; TOPMed 0.00002.
gnomAD v4.1: 18 of 1,613,416 alleles (0.0011%); highest among the groups gnomAD compares: African/African-American, 0.0053%; no homozygotes.

Submissions (2):

Ambry Genetics
Classification: Uncertain significance. Last evaluated: 2024-04-29. Review status: criteria provided, single submitter. Criteria: Ambry Variant Classification Scheme 2023. Collection method: clinical testing. Allele origin: germline.

Labcorp Genetics (formerly Invitae), Labcorp
Classification: Uncertain significance for Epilepsy, familial adult myoclonic, 5. Last evaluated: 2022-04-29. Review status: criteria provided, single submitter. Criteria: Invitae Variant Classification Sherloc (09022015). Collection method: clinical testing. Allele origin: germline.
Comment: In summary, the available evidence is currently insufficient to determine the role of this variant in disease. Therefore, it has been classified as a Variant of Uncertain Significance. This sequence change replaces glycine, which is neutral and non-polar, with serine, which is neutral and polar, at codon 278 of the CNTN2 protein (p.Gly278Ser). This variant is present in population databases (rs749805717, gnomAD 0.007%). This variant has not been reported in the literature in individuals affected with CNTN2-related conditions. Advanced modeling of protein sequence and biophysical properties (such as structural, functional, and spatial information, amino acid conservation, physicochemical variation, residue mobility, and thermodynamic stability) performed at Invitae indicates that this missense variant is not expected to disrupt CNTN2 protein function.

NM_005076.5(CNTN2):c.832G>A (p.Gly278Ser)

Gene: CNTN2 (contactin 2; plus strand). Cytogenetic location: 1q32.1.
Variant type: single nucleotide variant.
Coding change: c.832G>A on transcript NM_005076.5 (MANE Select); coding-DNA position 832, G replaced by A.
Protein change: p.Gly278Ser; replaces glycine 278 with serine.
Molecular consequence: missense variant. On other transcripts: non-coding transcript variant (1).
Genome position (GRCh38, 1-based): chr1:205,061,279, G>A. VCF-style: chr1-205061279-G-A. GRCh37 (hg19) VCF-style: chr1-205030407-G-A.
Other names: c.832G>A, p.Gly278Ser (NM_001346083.2); c.832G>A (NM_005076.3); short protein forms G278S.
Identifiers: ClinVar variation 2190057 (VCV002190057.3), dbSNP rs749805717, ClinGen allele CA1351173.